The following is an entry in ClinVar:

ClinVar aggregate classification (germline): Uncertain significance (1 of 4 stars; one submission).

Conditions:
Neuropathy, hereditary sensory and autonomic, type 2A (HSAN2A). Also called: ACROOSTEOLYSIS, GIACCAI TYPE; ACROOSTEOLYSIS, NEUROGENIC; WNK1-Related HSAN2 (HSAN2A); NEUROPATHY, HEREDITARY SENSORY RADICULAR, AUTOSOMAL RECESSIVE; MORVAN DISEASE; NEUROPATHY, CONGENITAL SENSORY. Identifiers: Orphanet 970, MedGen C2752089, MONDO:0024309, OMIM 201300.
Generalized epilepsy with febrile seizures plus, type 7 (GEFSP7). Also called: GEFS+, TYPE 7. Identifiers: Orphanet 36387, MedGen C2751778, MONDO:0013470, OMIM 613863.

Submission:

Labcorp Genetics (formerly Invitae), Labcorp
Classification: Uncertain significance for Neuropathy, hereditary sensory and autonomic, type 2A; Generalized epilepsy with febrile seizures plus, type 7. Last evaluated: 2025-11-01. Review status: criteria provided, single submitter. Criteria: Invitae Variant Classification Sherloc (09022015). Collection method: clinical testing. Allele origin: germline.
Comment: This sequence change replaces glutamic acid, which is acidic and polar, with valine, which is neutral and non-polar, at codon 567 of the SCN9A protein (p.Glu567Val). This variant is not present in population databases (gnomAD no frequency). This variant has not been reported in the literature in individuals affected with SCN9A-related conditions. Invitae Evidence Modeling of protein sequence and biophysical properties (such as structural, functional, and spatial information, amino acid conservation, physicochemical variation, residue mobility, and thermodynamic stability) indicates that this missense variant is not expected to disrupt SCN9A protein function with a negative predictive value of 95%. In summary, the available evidence is currently insufficient to determine the role of this variant in disease. Therefore, it has been classified as a Variant of Uncertain Significance.

NM_001365536.1(SCN9A):c.1700A>T (p.Glu567Val)

Genes: SCN9A (sodium voltage-gated channel alpha subunit 9; minus strand), SCN1A-AS1 (SCN1A and SCN9A antisense RNA 1; plus strand). Cytogenetic location: 2q24.3.
Variant type: single nucleotide variant.
Coding change: c.1700A>T on transcript NM_001365536.1 (MANE Select); coding-DNA position 1700, A replaced by T.
Protein change: p.Glu567Val; replaces glutamic acid 567 with valine.
Molecular consequence: missense variant.
Genome position (GRCh38, 1-based): chr2:166,284,727, T>A on the plus strand (A>T on the coding strand, the complement: SCN9A is on the minus strand). VCF-style: chr2-166284727-T-A. GRCh37 (hg19) VCF-style: chr2-167141237-T-A.
Other names: c.1700A>T, p.Glu567Val (NM_002977.4); short protein forms E567V.
Identifiers: ClinVar variation 4783436 (VCV004783436.1).
Genomic context (GRCh38, chr2:166,284,727, plus strand): 5'-GAGCCCCTTCTGCTCTCATTGTCTCCAAAAATGCTGTGCTCATCATCGGCAAATTCAGTC[T>A]CAGATCCTATATCTCTTCCTCTGCCTTTGAAACTAAAAAGACTTGTTCTGCTGCTTCGCC-3'
Protein context (NP_001352465.1, residues 557-577): FKGRGRDIGS[Glu567Val]TEFADDEHSI